The following is an entry in ClinVar:

ClinVar aggregate classification (germline): Benign (1 of 4 stars; one submission).

Allele frequency attached by ClinVar (database versions not stated): 1000 Genomes Project 30x 0.13851; 1000 Genomes Project 0.14317; gnomAD 0.16160 and 0.16203; TOPMed 0.16476.
gnomAD v4.1: 24,730 of 152,000 alleles (16%); highest among the groups gnomAD compares: Admixed American, 24%; 2,310 homozygotes.

Submission:

GeneDx
Classification: Benign. Last evaluated: 2018-06-14. Review status: criteria provided, single submitter. Criteria: GeneDx Variant Classification (06012015). Collection method: clinical testing. Allele origin: germline. Affected: yes.
Comment: This variant is considered likely benign or benign based on one or more of the following criteria: it is a conservative change, it occurs at a poorly conserved position in the protein, it is predicted to be benign by multiple in silico algorithms, and/or has population frequency not consistent with disease.

NM_012414.4(RAB3GAP2):c.305-278G>A

Gene: RAB3GAP2 (RAB3 GTPase activating non-catalytic protein subunit 2; minus strand). Cytogenetic location: 1q41.
Variant type: single nucleotide variant.
Coding change: c.305-278G>A on transcript NM_012414.4 (MANE Select); 278 bases into the intron before coding-DNA position 305, G replaced by A.
Molecular consequence: intron variant.
Genome position (GRCh38, 1-based): chr1:220,213,246, C>T on the plus strand (G>A on the coding strand, the complement: RAB3GAP2 is on the minus strand). VCF-style: chr1-220213246-C-T. GRCh37 (hg19) VCF-style: chr1-220386588-C-T.
Identifiers: ClinVar variation 680736 (VCV000680736.1), dbSNP rs59681037, ClinGen allele CA10858509.
Genomic context (GRCh38, chr1:220,213,246, plus strand): 5'-AATTCAACCTGTATAATGTTGTCATAGTTCTTGTAGAATAAAGTTATTAACTCCTATGCC[C>T]ACCCTGCCTAGTTTAAGACTACTTTTATCATCAGATGACGGAGAAAATTTTTCTACTAGA-3'